The following is an entry in ClinVar:

ClinVar aggregate classification (germline): Likely benign (0 of 4 stars; one submission).

Conditions:
ARHGEF28-related disorder. Also called: ARHGEF28-related condition.

Allele frequency attached by ClinVar (database versions not stated): ESP Exome Variant Server 0.00009; 1000 Genomes Project 0.00020; 1000 Genomes Project 30x 0.00031.
gnomAD v4.1: 49 of 1,593,618 alleles (0.0031%); highest among the groups gnomAD compares: East Asian, 0.051%; no homozygotes.

Submission:

PreventionGenetics, part of Exact Sciences
Classification: Likely benign for ARHGEF28-related condition. Last evaluated: 2023-01-06. Review status: no assertion criteria provided. Collection method: clinical testing. Allele origin: germline.
Comment: This variant is classified as likely benign based on ACMG/AMP sequence variant interpretation guidelines (Richards et al. 2015 PMID: 25741868, with internal and published modifications).

NM_001177693.2(ARHGEF28):c.3056-4G>A

Gene: ARHGEF28 (Rho guanine nucleotide exchange factor 28; plus strand). Cytogenetic location: 5q13.2.
Variant type: single nucleotide variant.
Coding change: c.3056-4G>A on transcript NM_001177693.2 (MANE Select); 4 bases into the intron before coding-DNA position 3056, G replaced by A.
Molecular consequence: intron variant.
Genome position (GRCh38, 1-based): chr5:73,885,846, G>A. VCF-style: chr5-73885846-G-A. GRCh37 (hg19) VCF-style: chr5-73181671-G-A.
Other names: c.3056-4G>A (NM_001080479.3, NM_001388078.1); c.2762-4G>A (NM_001388076.1); c.2117-4G>A (NM_001244364.2).
Identifiers: ClinVar variation 3032903 (VCV003032903.2), dbSNP rs369604513, ClinGen allele CA3304994.
Genomic context (GRCh38, chr5:73,885,846, plus strand): 5'-TCTTCCTTAGTACTCTGGTTTATTGTATAGTATTTTTGTTTGTTTGTTTCTTTTTCCCAC[G>A]CAGAAAGAACTGAGGAACATAAAGACTTACGCAAAGCGCTTTGCTTAATTAAAGACATGA-3'